The following is an entry in ClinVar:

NM_003640.5(ELP1):c.2743A>G (p.Lys915Glu)

Gene: ELP1 (elongator acetyltransferase complex subunit 1; minus strand). Cytogenetic location: 9q31.3.
Variant type: single nucleotide variant.
Coding change: c.2743A>G on transcript NM_003640.5 (MANE Select); coding-DNA position 2743, A replaced by G.
Protein change: p.Lys915Glu; replaces lysine 915 with glutamic acid.
Molecular consequence: missense variant.
Genome position (GRCh38, 1-based): chr9:108,894,060, T>C on the plus strand (A>G on the coding strand, the complement: ELP1 is on the minus strand). VCF-style: chr9-108894060-T-C. GRCh37 (hg19) VCF-style: chr9-111656340-T-C.
Other names: c.2401A>G, p.Lys801Glu (NM_001318360.2); c.1696A>G, p.Lys566Glu (NM_001330749.2); c.2743A>G (NM_003640.3); short protein forms K801E, K915E, K566E.
Identifiers: ClinVar variation 1406423 (VCV001406423.6), dbSNP rs749213608, ClinGen allele CA5174546.

ClinVar aggregate classification (germline): Uncertain significance. Review status: criteria provided, multiple submitters, no conflicts (2 of 4 stars). 2 submissions from 2 submitters: Uncertain significance (2). Last evaluated 2026-01-12.

Allele frequency attached by ClinVar (database versions not stated): ExAC 0.00001; gnomAD exomes 0.00002.
gnomAD v4.1: 31 of 1,486,014 alleles (0.0021%); highest among the groups gnomAD compares: Non-Finnish European, 0.0029%; no homozygotes.

Submissions (2):

Ambry Genetics
Classification: Uncertain significance. Last evaluated: 2026-01-12. Review status: criteria provided, single submitter. Criteria: Ambry Variant Classification Scheme 2023. Collection method: clinical testing. Allele origin: germline.
Comment: The p.K915E variant (also known as c.2743A>G), located in coding exon 25 of the IKBKAP gene, results from an A to G substitution at nucleotide position 2743. The lysine at codon 915 is replaced by glutamic acid, an amino acid with similar properties. This amino acid position is conserved. In addition, this alteration is predicted to be deleterious by in silico analysis. Based on the available evidence, the clinical significance of this variant remains unclear.

Labcorp Genetics (formerly Invitae), Labcorp
Classification: Uncertain significance. Last evaluated: 2021-08-26. Review status: criteria provided, single submitter. Criteria: Invitae Variant Classification Sherloc (09022015). Collection method: clinical testing. Allele origin: germline.
Comment: This sequence change replaces lysine with glutamic acid at codon 915 of the ELP1 protein (p.Lys915Glu). The lysine residue is highly conserved and there is a small physicochemical difference between lysine and glutamic acid. This variant is present in population databases (rs749213608, ExAC 0.002%). This variant has not been reported in the literature in individuals affected with ELP1-related conditions. Algorithms developed to predict the effect of missense changes on protein structure and function are either unavailable or do not agree on the potential impact of this missense change (SIFT: "Deleterious"; PolyPhen-2: "Probably Damaging"; Align-GVGD: "Class C15"). In summary, the available evidence is currently insufficient to determine the role of this variant in disease. Therefore, it has been classified as a Variant of Uncertain Significance.